The following is an entry in ClinVar:

NM_007294.4(BRCA1):c.2243A>G (p.Lys748Arg)

Gene: BRCA1 (BRCA1 DNA repair associated; minus strand). Cytogenetic location: 17q21.31.
Variant type: single nucleotide variant.
Coding change: c.2243A>G on transcript NM_007294.4 (MANE Select); coding-DNA position 2243, A replaced by G.
Protein change: p.Lys748Arg; replaces lysine 748 with arginine.
Molecular consequence: missense variant. On other transcripts: intron variant (137).
Genome position (GRCh38, 1-based): chr17:43,093,288, T>C on the plus strand (A>G on the coding strand, the complement: BRCA1 is on the minus strand). VCF-style: chr17-43093288-T-C. GRCh37 (hg19) VCF-style: chr17-41245305-T-C.
Other names: c.2102A>G, p.Lys701Arg (NM_001407944.1, NM_001407945.1, NM_007297.4 and 29 more transcripts); c.1910A>G, p.Lys637Arg (NM_001407946.1, NM_001407947.1, NM_001407948.1 and 6 more transcripts); c.1907A>G, p.Lys636Arg (NM_001407954.1, NM_001407955.1, NM_001407956.1 and 1 more transcripts); c.1862A>G, p.Lys621Arg (NM_001407959.1, NM_001407960.1, NM_001407963.1); c.1859A>G, p.Lys620Arg (NM_001407962.1); c.2099A>G, p.Lys700Arg (NM_001407964.1, NM_001407740.1, NM_001407741.1 and 20 more transcripts); c.1739A>G, p.Lys580Arg (NM_001407965.1); c.1355A>G, p.Lys452Arg (NM_001407966.1, NM_001407967.1); and 41 more; short protein forms K748R, K701R, K580R, K677R, K678R, K721R, K620R, K637R.
Identifiers: ClinVar variation 631383 (VCV000631383.10), dbSNP rs1567796448, ClinGen allele CA10597513.

ClinVar aggregate classification (germline): Conflicting classifications of pathogenicity. Review status: criteria provided, conflicting classifications (1 of 4 stars). 4 submissions from 4 submitters: Uncertain significance (3); Likely benign (1). Last evaluated 2026-01-19.

Conditions:
Hereditary breast ovarian cancer syndrome. Also called: Hereditary breast and ovarian cancer; Hereditary breast and ovarian cancer syndrome (HBOC); Breast and ovarian cancer; Hereditary breast and ovarian cancer syndrome; BRCA1- and BRCA2-Associated Hereditary Breast and Ovarian Cancer; Hereditary breast and/or ovarian cancer syndrome. Identifiers: Orphanet 145, MedGen C0677776, MeSH D061325, MONDO:0003582. Disease mechanism: loss of function.
Hereditary cancer-predisposing syndrome. Also called: Tumor predisposition; Neoplastic Syndromes, Hereditary; Hereditary neoplastic syndrome; Hereditary Cancer Syndrome. Identifiers: Orphanet 140162, MedGen C0027672, MeSH D009386, MONDO:0015356.

Submissions (4):

Labcorp Genetics (formerly Invitae), Labcorp
Classification: Uncertain significance for Hereditary breast ovarian cancer syndrome. Last evaluated: 2026-01-19. Review status: criteria provided, single submitter. Criteria: Invitae Variant Classification Sherloc (09022015). Collection method: clinical testing. Allele origin: germline.
Comment: This sequence change replaces lysine, which is basic and polar, with arginine, which is basic and polar, at codon 748 of the BRCA1 protein (p.Lys748Arg). This variant is not present in population databases (gnomAD no frequency). This missense change has been observed in individual(s) with breast and/or ovarian cancer (PMID: 28664449, 30702160, 31825140). ClinVar contains an entry for this variant (Variation ID: 631383). Invitae Evidence Modeling of protein sequence and biophysical properties (such as structural, functional, and spatial information, amino acid conservation, physicochemical variation, residue mobility, and thermodynamic stability) indicates that this missense variant is not expected to disrupt BRCA1 protein function with a negative predictive value of 80%. In summary, the available evidence is currently insufficient to determine the role of this variant in disease. Therefore, it has been classified as a Variant of Uncertain Significance.

University of Washington Department of Laboratory Medicine, University of Washington
Classification: Likely benign for Hereditary cancer-predisposing syndrome. Last evaluated: 2023-03-23. Review status: criteria provided, single submitter. Criteria: Dines et al. (Genet Med. 2020). Collection method: curation. Allele origin: germline.
Comment: Missense variant in a coldspot region where missense variants are very unlikely to be pathogenic (PMID:31911673).

BRCA1 coldspot (exon 11 using historical exon numbering). Reclassification based on statistical prior probability

Quest Diagnostics Nichols Institute San Juan Capistrano
Classification: Uncertain significance. Last evaluated: 2019-06-28. Review status: criteria provided, single submitter. Criteria: Quest Diagnostics criteria. Collection method: clinical testing. Allele origin: germline.

Color Diagnostics, LLC DBA Color Health
Classification: Uncertain significance for Hereditary cancer-predisposing syndrome. Last evaluated: 2019-04-08. Review status: criteria provided, single submitter. Criteria: ACMG Guidelines, 2015. Collection method: clinical testing. Allele origin: germline.

Literature cited by the submitters: PubMed 28664449 (cited by Labcorp Genetics (formerly Invitae), Labcorp and Quest Diagnostics Nichols Institute San Juan Capistrano); PubMed 30702160 (cited by Labcorp Genetics (formerly Invitae), Labcorp and Quest Diagnostics Nichols Institute San Juan Capistrano); PubMed 31825140 (cited by Labcorp Genetics (formerly Invitae), Labcorp).